The following is an entry in ClinVar:

NM_000168.6(GLI3):c.1865G>A (p.Ser622Asn)

Gene: GLI3 (GLI family zinc finger 3; minus strand). Cytogenetic location: 7p14.1.
Variant type: single nucleotide variant.
Coding change: c.1865G>A on transcript NM_000168.6 (MANE Select); coding-DNA position 1865, G replaced by A.
Protein change: p.Ser622Asn; replaces serine 622 with asparagine.
Molecular consequence: missense variant.
Genome position (GRCh38, 1-based): chr7:41,972,575, C>T on the plus strand (G>A on the coding strand, the complement: GLI3 is on the minus strand). VCF-style: chr7-41972575-C-T. GRCh37 (hg19) VCF-style: chr7-42012174-C-T.
Other names: c.1865G>A (NM_000168.5); short protein forms S622N.
Identifiers: ClinVar variation 1377307 (VCV001377307.9), dbSNP rs2128710024, ClinGen allele CA367322689.

ClinVar aggregate classification (germline): Conflicting classifications of pathogenicity. Review status: criteria provided, conflicting classifications (1 of 4 stars). 2 submissions from 2 submitters: Likely pathogenic (1); Uncertain significance (1). Last evaluated 2026-07-17.

Conditions:
Greig cephalopolysyndactyly syndrome (GCPS). Also called: Greig syndrome; GLI3-Related Greig Cephalopolysyndactyly Syndrome; POLYSYNDACTYLY WITH PECULIAR SKULL SHAPE. Identifiers: Orphanet 380, MedGen C0265306, MONDO:0008287, OMIM 175700.
Pallister-Hall syndrome (PHS). Also called: HYPOTHALAMIC HAMARTOBLASTOMA, HYPOPITUITARISM, IMPERFORATE ANUS, AND POSTAXIAL POLYDACTYLY; GLI3-Related Pallister-Hall Syndrome. Identifiers: Orphanet 672, MedGen C0265220, MONDO:0007804, OMIM 146510.
GLI3-related disorder. Also called: GLI3-related condition; GLI3-related disorders. Identifiers: MedGen CN239292.

Submissions (2):

PreventionGenetics, part of Exact Sciences
Classification: Uncertain significance for GLI3-related condition. Last evaluated: 2026-07-17. Review status: criteria provided, single submitter. Criteria: ACMG Guidelines, 2015. Collection method: clinical testing. Allele origin: germline.
Comment: The GLI3 c.1865G>A variant is predicted to result in the amino acid substitution p.Ser622Asn. To our knowledge, this variant has not been reported in the literature or in a large population database (gnomAD), indicating this variant is rare. The variant has been submitted to ClinVar as likely pathogenic (Variation ID: 1377307); however, the submitter cited internal clinical data and no variant-specific published case reports are currently available. Although we suspect that this variant may be pathogenic, at this time, the clinical significance of this variant is uncertain due to the absence of conclusive functional and genetic evidence.

Labcorp Genetics (formerly Invitae), Labcorp
Classification: Likely pathogenic for Pallister-Hall syndrome; Greig cephalopolysyndactyly syndrome. Last evaluated: 2022-10-17. Review status: criteria provided, single submitter. Criteria: Invitae Variant Classification Sherloc (09022015). Collection method: clinical testing. Allele origin: germline.
Comment: In summary, the currently available evidence indicates that the variant is pathogenic, but additional data are needed to prove that conclusively. Therefore, this variant has been classified as Likely Pathogenic. Advanced modeling of protein sequence and biophysical properties (such as structural, functional, and spatial information, amino acid conservation, physicochemical variation, residue mobility, and thermodynamic stability) performed at Invitae indicates that this missense variant is expected to disrupt GLI3 protein function. ClinVar contains an entry for this variant (Variation ID: 1377307). This missense change has been observed in individual(s) with clinical features of Greig cephalopolysyndactyly syndrome (Invitae). It has also been observed to segregate with disease in related individuals. This variant is not present in population databases (gnomAD no frequency). This sequence change replaces serine, which is neutral and polar, with asparagine, which is neutral and polar, at codon 622 of the GLI3 protein (p.Ser622Asn).